The following is an entry in ClinVar:

NM_024496.4(IRF2BPL):c.447C>T (p.Tyr149=)

Gene: IRF2BPL (interferon regulatory factor 2 binding protein like; minus strand). Cytogenetic location: 14q24.3.
Variant type: single nucleotide variant.
Coding change: c.447C>T on transcript NM_024496.4 (MANE Select); coding-DNA position 447, C replaced by T.
Protein change: p.Tyr149=; no amino-acid change (tyrosine 149 retained).
Molecular consequence: synonymous variant.
Genome position (GRCh38, 1-based): chr14:77,027,346, G>A on the plus strand (C>T on the coding strand, the complement: IRF2BPL is on the minus strand). VCF-style: chr14-77027346-G-A. GRCh37 (hg19) VCF-style: chr14-77493689-G-A.
Identifiers: ClinVar variation 2644404 (VCV002644404.24), dbSNP rs745398104, ClinGen allele CA7283961.

ClinVar aggregate classification (germline): Likely benign (1 of 4 stars; one submission).

Allele frequency attached by ClinVar (database versions not stated): gnomAD 0.00003; ExAC 0.00006; TOPMed 0.00006; gnomAD exomes 0.00010.

Submission:

CeGaT Center for Human Genetics Tuebingen
Classification: Likely benign. Last evaluated: 2022-06-01. Review status: criteria provided, single submitter. Criteria: CeGaT Center For Human Genetics Tuebingen Variant Classification Criteria Version 2. Collection method: clinical testing. Allele origin: germline. Affected: yes. Observed: 1 variant allele.
Comment: IRF2BPL: BP4, BP7